The following is an entry in ClinVar:

NM_000384.3(APOB):c.11243C>T (p.Thr3748Met)

Gene: APOB (apolipoprotein B; minus strand). Cytogenetic location: 2p24.1.
Variant type: single nucleotide variant.
Coding change: c.11243C>T on transcript NM_000384.3 (MANE Select); coding-DNA position 11243, C replaced by T.
Protein change: p.Thr3748Met; replaces threonine 3748 with methionine.
Molecular consequence: missense variant.
Genome position (GRCh38, 1-based): chr2:21,005,625, G>A on the plus strand (C>T on the coding strand, the complement: APOB is on the minus strand). VCF-style: chr2-21005625-G-A. GRCh37 (hg19) VCF-style: chr2-21228497-G-A.
Other names: short protein forms T3748M.
Identifiers: ClinVar variation 922423 (VCV000922423.17), dbSNP rs774799606, ClinGen allele CA045834.

ClinVar aggregate classification (germline): Conflicting classifications of pathogenicity. Review status: criteria provided, conflicting classifications (1 of 4 stars). 3 submissions from 3 submitters: Uncertain significance (2); Benign (1). Last evaluated 2026-01-08.

Conditions:
Familial hypobetalipoproteinemia 1. Also called: Hypobetalipoproteinemia, normotriglyceridemic; Acanthocytosis with hypobetalipoproteinemia; APOB-Related Familial Hypobetalipoproteinemia. Identifiers: MedGen C4551990, MONDO:0014252, OMIM 615558.
Hypercholesterolemia, autosomal dominant, type B (FHCL2). Also called: Familial Hypercholesterolemia Type B; HYPERCHOLESTEROLEMIA, FAMILIAL, DUE TO LIGAND-DEFECTIVE APOLIPOPROTEIN B; Familial hypercholesterolemia 2; APOB-Related Familial Hypercholesterolemia, Autosomal Dominant; APOLIPOPROTEIN B-100, FAMILIAL DEFECTIVE; APOLIPOPROTEIN B-100, FAMILIAL LIGAND-DEFECTIVE. Identifiers: MedGen C1704417, MONDO:0007751, OMIM 144010.
Cardiovascular phenotype. Identifiers: MedGen CN230736.

Allele frequency attached by ClinVar (database versions not stated): gnomAD exomes 0.00001; ExAC 0.00002; gnomAD 0.00002 and 0.00003; TOPMed 0.00002.
gnomAD v4.1: 12 of 1,613,790 alleles (0.00074%); highest among the groups gnomAD compares: African/African-American, 0.004%; no homozygotes.

Submissions (3):

Labcorp Genetics (formerly Invitae), Labcorp
Classification: Benign for Familial hypobetalipoproteinemia 1; Hypercholesterolemia, autosomal dominant, type B. Last evaluated: 2026-01-08. Review status: criteria provided, single submitter. Criteria: Invitae Variant Classification Sherloc (09022015). Collection method: clinical testing. Allele origin: germline.

GeneDx
Classification: Uncertain significance. Last evaluated: 2024-01-03. Review status: criteria provided, single submitter. Criteria: GeneDx Variant Classification Process June 2021. Collection method: clinical testing. Allele origin: germline. Affected: yes.
Comment: Has not been previously published as pathogenic or benign to our knowledge; Not observed at significant frequency in large population cohorts (gnomAD); In silico analysis supports that this missense variant does not alter protein structure/function

Ambry Genetics
Classification: Uncertain significance for Cardiovascular phenotype. Last evaluated: 2023-11-12. Review status: criteria provided, single submitter. Criteria: Ambry Variant Classification Scheme 2023. Collection method: clinical testing. Allele origin: germline.
Comment: The p.T3748M variant (also known as c.11243C>T), located in coding exon 26 of the APOB gene, results from a C to T substitution at nucleotide position 11243. The threonine at codon 3748 is replaced by methionine, an amino acid with similar properties. This amino acid position is conserved. In addition, this alteration is predicted to be tolerated by in silico analysis. Since supporting evidence is limited at this time, the clinical significance of this alteration remains unclear.